The following is an entry in ClinVar:

ClinVar aggregate classification (germline): Uncertain significance (1 of 4 stars; one submission).

Allele frequency attached by ClinVar (database versions not stated): gnomAD exomes 0.00001.

Submission:

Labcorp Genetics (formerly Invitae), Labcorp
Classification: Uncertain significance. Last evaluated: 2019-12-14. Review status: criteria provided, single submitter. Criteria: Invitae Variant Classification Sherloc (09022015). Collection method: clinical testing. Allele origin: germline.
Comment: This sequence change replaces alanine with threonine at codon 425 of the CYP4V2 protein (p.Ala425Thr). The alanine residue is moderately conserved and there is a small physicochemical difference between alanine and threonine. In summary, the available evidence is currently insufficient to determine the role of this variant in disease. Therefore, it has been classified as a Variant of Uncertain Significance. Algorithms developed to predict the effect of missense changes on protein structure and function (SIFT, PolyPhen-2, Align-GVGD) all suggest that this variant is likely to be tolerated, but these predictions have not been confirmed by published functional studies and their clinical significance is uncertain. This variant has not been reported in the literature in individuals with CYP4V2-related conditions. This variant is not present in population databases (ExAC no frequency).

NM_207352.4(CYP4V2):c.1273G>A (p.Ala425Thr)

Gene: CYP4V2 (cytochrome P450 family 4 subfamily V member 2; plus strand). Cytogenetic location: 4q35.2.
Variant type: single nucleotide variant.
Coding change: c.1273G>A on transcript NM_207352.4 (MANE Select); coding-DNA position 1273, G replaced by A.
Protein change: p.Ala425Thr; replaces alanine 425 with threonine.
Molecular consequence: missense variant.
Genome position (GRCh38, 1-based): chr4:186,209,140, G>A. VCF-style: chr4-186209140-G-A. GRCh37 (hg19) VCF-style: chr4-187130294-G-A.
Other names: short protein forms A425T.
Identifiers: ClinVar variation 838717 (VCV000838717.9), dbSNP rs1002978806, ClinGen allele CA112135036.